The following is an entry in ClinVar:

ClinVar aggregate classification (germline): Likely pathogenic (1 of 4 stars; one submission).

Conditions:
Intellectual developmental disorder, autosomal dominant 64. Also called: MENTAL RETARDATION, AUTOSOMAL DOMINANT 64. Identifiers: MedGen C5543067, MONDO:0030934, OMIM 619188.

Submission:

Laboratorio de Genetica e Diagnostico Molecular, Hospital Israelita Albert Einstein
Classification: Likely pathogenic for Intellectual developmental disorder, autosomal dominant 64. Last evaluated: 2022-04-11. Review status: criteria provided, single submitter. Criteria: ACMG Guidelines, 2015. Collection method: clinical testing. Allele origin: germline. Affected: yes. Observed: 1 variant allele.
Comment: ACMG classification criteria: PVS1 strong, PM2 moderated

NM_015021.3(ZNF292):c.5650C>T (p.Gln1884Ter)

Gene: ZNF292 (zinc finger protein 292; plus strand). Cytogenetic location: 6q14.3.
Variant type: single nucleotide variant.
Coding change: c.5650C>T on transcript NM_015021.3 (MANE Select); coding-DNA position 5650, C replaced by T.
Protein change: p.Gln1884Ter; replaces glutamine 1884 with a stop codon.
Molecular consequence: nonsense.
Genome position (GRCh38, 1-based): chr6:87,259,279, C>T. VCF-style: chr6-87259279-C-T. GRCh37 (hg19) VCF-style: chr6-87968997-C-T.
Other names: c.5230C>T, p.Gln1744Ter (NM_001351444.2); short protein forms Q1744*, Q1884*.
Identifiers: ClinVar variation 2431439 (VCV002431439.1), dbSNP rs2482346171, ClinGen allele CA364933021.
Genomic context (GRCh38, chr6:87,259,279, plus strand): 5'-AATACATCAGTGACACTGACTCCCACGCCTGTTAAATCAACTGCAGATATCACAGTTATT[C>T]AGCCAGTTTCTGAAATGATAAACATTCAATTTAATGACAAAGTTAATAAACCCTTTGTGT-3'